The following is an entry in ClinVar:

ClinVar aggregate classification (germline): Uncertain significance (1 of 4 stars; one submission).

Submission:

GeneDx
Classification: Uncertain significance. Last evaluated: 2024-08-12. Review status: criteria provided, single submitter. Criteria: GeneDx Variant Classification Process June 2021. Collection method: clinical testing. Allele origin: germline. Affected: yes.
Comment: Not observed at significant frequency in large population cohorts (gnomAD); In silico analysis indicates that this missense variant does not alter protein structure/function; Has not been previously published as pathogenic or benign to our knowledge

NM_152296.5(ATP1A3):c.407T>A (p.Phe136Tyr)

Gene: ATP1A3 (ATPase Na+/K+ transporting subunit alpha 3; minus strand). Cytogenetic location: 19q13.2.
Variant type: single nucleotide variant.
Coding change: c.407T>A on transcript NM_152296.5 (MANE Select); coding-DNA position 407, T replaced by A.
Protein change: p.Phe136Tyr; replaces phenylalanine 136 with tyrosine.
Molecular consequence: missense variant.
Genome position (GRCh38, 1-based): chr19:41,986,180, A>T on the plus strand (T>A on the coding strand, the complement: ATP1A3 is on the minus strand). VCF-style: chr19-41986180-A-T. GRCh37 (hg19) VCF-style: chr19-42490332-A-T.
Other names: c.440T>A, p.Phe147Tyr (NM_001256213.2); c.446T>A, p.Phe149Tyr (NM_001256214.2); short protein forms F136Y, F147Y, F149Y.
Identifiers: ClinVar variation 3731011 (VCV003731011.1).